The following is an entry in ClinVar:

NM_004278.4(PIGL):c.161C>T (p.Ala54Val)

Gene: PIGL (phosphatidylinositol glycan anchor biosynthesis class L; plus strand). Cytogenetic location: 17p11.2.
Variant type: single nucleotide variant.
Coding change: c.161C>T on transcript NM_004278.4 (MANE Select); coding-DNA position 161, C replaced by T.
Protein change: p.Ala54Val; replaces alanine 54 with valine.
Molecular consequence: missense variant.
Genome position (GRCh38, 1-based): chr17:16,217,387, C>T. VCF-style: chr17-16217387-C-T. GRCh37 (hg19) VCF-style: chr17-16120701-C-T.
Other names: c.161C>T, p.Ala54Val (NM_001411072.1); c.161C>T (NM_004278.3); short protein forms A54V.
Identifiers: ClinVar variation 2110656 (VCV002110656.5), dbSNP rs766219419, ClinGen allele CA8409760.

ClinVar aggregate classification (germline): Uncertain significance. Review status: criteria provided, multiple submitters, no conflicts (2 of 4 stars). 2 submissions from 2 submitters: Uncertain significance (2). Last evaluated 2025-02-26.

Conditions:
Inborn genetic diseases. Identifiers: MedGen C0950123, MeSH D030342.

Allele frequency attached by ClinVar (database versions not stated): gnomAD exomes below 0.00001; ExAC 0.00001; TOPMed 0.00001.
gnomAD v4.1: 1 of 1,614,180 alleles (0.000062%); highest among the groups gnomAD compares: African/African-American, 0.0013%; no homozygotes.

Submissions (2):

Ambry Genetics
Classification: Uncertain significance for Inborn genetic diseases. Last evaluated: 2025-02-26. Review status: criteria provided, single submitter. Criteria: Ambry Variant Classification Scheme 2023. Collection method: clinical testing. Allele origin: germline.

Labcorp Genetics (formerly Invitae), Labcorp
Classification: Uncertain significance. Last evaluated: 2024-02-24. Review status: criteria provided, single submitter. Criteria: Invitae Variant Classification Sherloc (09022015). Collection method: clinical testing. Allele origin: germline.
Comment: This sequence change replaces alanine, which is neutral and non-polar, with valine, which is neutral and non-polar, at codon 54 of the PIGL protein (p.Ala54Val). This variant is present in population databases (rs766219419, gnomAD 0.007%). This variant has not been reported in the literature in individuals affected with PIGL-related conditions. ClinVar contains an entry for this variant (Variation ID: 2110656). Advanced modeling of protein sequence and biophysical properties (such as structural, functional, and spatial information, amino acid conservation, physicochemical variation, residue mobility, and thermodynamic stability) performed at Invitae indicates that this missense variant is not expected to disrupt PIGL protein function with a negative predictive value of 80%. In summary, the available evidence is currently insufficient to determine the role of this variant in disease. Therefore, it has been classified as a Variant of Uncertain Significance.